The following is an entry in ClinVar:

NM_000540.3(RYR1):c.13906A>G (p.Ser4636Gly)

Gene: RYR1 (ryanodine receptor 1; plus strand). Cytogenetic location: 19q13.2.
Variant type: single nucleotide variant.
Coding change: c.13906A>G on transcript NM_000540.3 (MANE Select); coding-DNA position 13906, A replaced by G.
Protein change: p.Ser4636Gly; replaces serine 4636 with glycine.
Molecular consequence: missense variant.
Genome position (GRCh38, 1-based): chr19:38,572,178, A>G. VCF-style: chr19-38572178-A-G. GRCh37 (hg19) VCF-style: chr19-39062818-A-G.
Other names: c.13891A>G, p.Ser4631Gly (NM_001042723.2); short protein forms S4631G, S4636G.
Identifiers: ClinVar variation 999853 (VCV000999853.10), dbSNP rs374145578, ClinGen allele CA060639.

ClinVar aggregate classification (germline): Uncertain significance (1 of 4 stars; one submission).

Conditions:
RYR1-related disorder. Also called: RYR1-related condition; RYR1-related disorders. Identifiers: MedGen CN239331.

Allele frequency attached by ClinVar (database versions not stated): gnomAD exomes below 0.00001; TOPMed below 0.00001; ExAC 0.00001; ESP Exome Variant Server 0.00008.

Submission:

Labcorp Genetics (formerly Invitae), Labcorp
Classification: Uncertain significance for RYR1-related disorder. Last evaluated: 2022-03-09. Review status: criteria provided, single submitter. Criteria: Invitae Variant Classification Sherloc (09022015). Collection method: clinical testing. Allele origin: germline.
Comment: This variant is present in population databases (rs374145578, gnomAD 0.007%). This sequence change replaces serine, which is neutral and polar, with glycine, which is neutral and non-polar, at codon 4636 of the RYR1 protein (p.Ser4636Gly). In summary, the available evidence is currently insufficient to determine the role of this variant in disease. Therefore, it has been classified as a Variant of Uncertain Significance. Algorithms developed to predict the effect of missense changes on protein structure and function are either unavailable or do not agree on the potential impact of this missense change (SIFT: "Tolerated"; PolyPhen-2: "Not Available"; Align-GVGD: "Class C0"). ClinVar contains an entry for this variant (Variation ID: 999853). This variant has not been reported in the literature in individuals affected with RYR1-related conditions.